The following is an entry in ClinVar:

ClinVar aggregate classification (germline): Uncertain significance (1 of 4 stars; one submission).

Submission:

Labcorp Genetics (formerly Invitae), Labcorp
Classification: Uncertain significance. Last evaluated: 2022-08-06. Review status: criteria provided, single submitter. Criteria: Invitae Variant Classification Sherloc (09022015). Collection method: clinical testing. Allele origin: germline.
Comment: In summary, the available evidence is currently insufficient to determine the role of this variant in disease. Therefore, it has been classified as a Variant of Uncertain Significance. Algorithms developed to predict the effect of missense changes on protein structure and function (SIFT, PolyPhen-2, Align-GVGD) all suggest that this variant is likely to be disruptive. This variant has not been reported in the literature in individuals affected with FOXI1-related conditions. This variant is not present in population databases (gnomAD no frequency). This sequence change replaces serine, which is neutral and polar, with leucine, which is neutral and non-polar, at codon 176 of the FOXI1 protein (p.Ser176Leu).

NM_012188.5(FOXI1):c.527C>T (p.Ser176Leu)

Gene: FOXI1 (forkhead box I1; plus strand). Cytogenetic location: 5q35.1.
Variant type: single nucleotide variant.
Coding change: c.527C>T on transcript NM_012188.5 (MANE Select); coding-DNA position 527, C replaced by T.
Protein change: p.Ser176Leu; replaces serine 176 with leucine.
Molecular consequence: missense variant.
Genome position (GRCh38, 1-based): chr5:170,106,484, C>T. VCF-style: chr5-170106484-C-T. GRCh37 (hg19) VCF-style: chr5-169533488-C-T.
Other names: c.527C>T, p.Ser176Leu (NM_144769.4); short protein forms S176L.
Identifiers: ClinVar variation 2022133 (VCV002022133.4), dbSNP rs2532547847, ClinGen allele CA362125968.